The following is an entry in ClinVar:

ClinVar aggregate classification (germline): Likely pathogenic. Review status: criteria provided, multiple submitters, no conflicts (2 of 4 stars). 3 submissions from 3 submitters: Likely pathogenic (3). Last evaluated 2025-08-01.

Conditions:
Meckel syndrome, type 6. Identifiers: Orphanet 564, MedGen C2676790, MONDO:0012848, OMIM 612284.
CC2D2A-related disorder. Also called: CC2D2A-related condition; CC2D2A-related disorders. Identifiers: MedGen CN239313.
Joubert syndrome. Also called: JOUBERT-BOLTSHAUSER SYNDROME; Familial aplasia of the vermis. Identifiers: Orphanet 475, MedGen C5979921, MONDO:0018772.
Meckel-Gruber syndrome. Also called: DYSENCEPHALIA SPLANCHNOCYSTICA; GRUBER SYNDROME; Dysencephalia splachnocystica. Identifiers: Orphanet 564, MedGen C0265215, MONDO:0018921.

Submissions (3):

Women's Health and Genetics/Laboratory Corporation of America, LabCorp
Classification: Likely pathogenic for Meckel syndrome, type 6. Last evaluated: 2025-08-01. Review status: criteria provided, single submitter. Criteria: LabCorp Variant Classification Summary - May 2015. Collection method: clinical testing. Allele origin: germline.
Comment: Variant summary: CC2D2A c.1466+1G>A is located in a canonical splice-site and is predicted to affect mRNA splicing resulting in a significantly altered protein due to either exon skipping, shortening, or inclusion of intronic material. Variants that disrupt the consensus splice site are a relatively common cause of aberrant splicing and loss of CC2D2A function. Several computational tools predict a significant impact on normal splicing: Four predict the variant abolishes a 5' splicing donor site. However, these predictions have yet to be confirmed by functional studies. The variant was absent in 242012 control chromosomes. To our knowledge, no occurrence of c.1466+1G>A in individuals affected with Meckel Syndrome or other CC2D2A-related disorders and no experimental evidence demonstrating its impact on protein function have been reported. ClinVar contains an entry for this variant (Variation ID: 2021214). Based on the evidence outlined above, the variant was classified as likely pathogenic.

Blueprint Genetics
Classification: Likely pathogenic for CC2D2A-related disorders. Last evaluated: 2023-12-29. Review status: criteria provided, single submitter. Criteria: ACMG Guidelines, 2015. Collection method: clinical testing. Allele origin: germline. Affected: yes. Observed: 2 variant alleles.

Labcorp Genetics (formerly Invitae), Labcorp
Classification: Likely pathogenic for Joubert syndrome; Meckel-Gruber syndrome. Last evaluated: 2023-08-29. Review status: criteria provided, single submitter. Criteria: Invitae Variant Classification Sherloc (09022015). Collection method: clinical testing. Allele origin: germline.
Comment: This variant has not been reported in the literature in individuals affected with CC2D2A-related conditions. This sequence change affects a donor splice site in intron 14 of the CC2D2A gene. It is expected to disrupt RNA splicing. Variants that disrupt the donor or acceptor splice site typically lead to a loss of protein function (PMID: 16199547), and loss-of-function variants in CC2D2A are known to be pathogenic (PMID: 19777577). This variant is not present in population databases (gnomAD no frequency). ClinVar contains an entry for this variant (Variation ID: 2021214). Algorithms developed to predict the effect of sequence changes on RNA splicing suggest that this variant may disrupt the consensus splice site. In summary, the currently available evidence indicates that the variant is pathogenic, but additional data are needed to prove that conclusively. Therefore, this variant has been classified as Likely Pathogenic.

Literature cited by the submitters: PubMed 16199547 (cited by Labcorp Genetics (formerly Invitae), Labcorp); PubMed 19777577 (cited by Labcorp Genetics (formerly Invitae), Labcorp).

NM_001378615.1(CC2D2A):c.1466+1G>A

Genes: CC2D2A (coiled-coil and C2 domain containing 2A; plus strand), FBXL5 (F-box and leucine rich repeat protein 5; minus strand). Cytogenetic location: 4p15.32.
Variant type: single nucleotide variant.
Coding change: c.1466+1G>A on transcript NM_001378615.1 (MANE Select); the canonical splice donor site of the intron after coding-DNA position 1466, G replaced by A.
Molecular consequence: splice donor variant.
Genome position (GRCh38, 1-based): chr4:15,528,727, G>A. VCF-style: chr4-15528727-G-A. GRCh37 (hg19) VCF-style: chr4-15530350-G-A.
Other names: c.1466+1G>A (NM_001080522.2); c.1319+1G>A (NM_001378617.1).
Identifiers: ClinVar variation 2021214 (VCV002021214.8), dbSNP rs2474955286, ClinGen allele CA356410813.